The following is an entry in ClinVar:

NM_006662.3(SRCAP):c.3833C>A (p.Ser1278Ter)

Gene: SRCAP (Snf2 related CREBBP activator protein; plus strand). Cytogenetic location: 16p11.2.
Variant type: single nucleotide variant.
Coding change: c.3833C>A on transcript NM_006662.3 (MANE Select); coding-DNA position 3833, C replaced by A.
Protein change: p.Ser1278Ter; replaces serine 1278 with a stop codon.
Molecular consequence: nonsense.
Genome position (GRCh38, 1-based): chr16:30,722,689, C>A. VCF-style: chr16-30722689-C-A. GRCh37 (hg19) VCF-style: chr16-30734010-C-A.
Other names: short protein forms S1278*.
Identifiers: ClinVar variation 995435 (VCV000995435.3), dbSNP rs755307689, ClinGen allele CA395614809.

ClinVar aggregate classification (germline): Likely pathogenic. Review status: criteria provided, single submitter (1 of 4 stars). 2 submissions from 2 submitters: Likely pathogenic (1). 1 of the submissions does not count toward it. Last evaluated 2024-04-16.

Conditions:
Neurodevelopmental disorder. Identifiers: MedGen C1535926, MeSH D065886, MONDO:0700092.

Submissions (2):

GeneDx
Classification: Likely pathogenic. Last evaluated: 2024-04-16. Review status: criteria provided, single submitter. Criteria: GeneDx Variant Classification Process June 2021. Collection method: clinical testing. Allele origin: germline. Affected: yes.
Comment: Nonsense variant predicted to result in protein truncation or nonsense mediated decay in a gene for which loss of function is a known mechanism of disease; Not observed at significant frequency in large population cohorts (gnomAD); This variant is associated with the following publications: (PMID: 33909990)

Joint Genome Diagnostic Labs from Nijmegen and Maastricht, Radboudumc and MUMC+
Classification: Likely pathogenic for Neurodevelopmental disorder. Last evaluated: 2021-01-10. Review status: no assertion criteria provided. Collection method: research. Allele origin: de novo. Affected: yes. Not counted in ClinVar's aggregate classification.

Literature cited by the submitters: PubMed 33909990 (cited by Joint Genome Diagnostic Labs from Nijmegen and Maastricht, Radboudumc and MUMC+).